The following is an entry in ClinVar:

ClinVar aggregate classification (germline): Uncertain significance. Review status: criteria provided, multiple submitters, no conflicts (2 of 4 stars). 2 submissions from 2 submitters: Uncertain significance (2). Last evaluated 2025-03-03.

Conditions:
Inborn genetic diseases. Identifiers: MedGen C0950123, MeSH D030342.

Allele frequency attached by ClinVar (database versions not stated): gnomAD exomes below 0.00001 and 0.00002; ExAC 0.00006; gnomAD 0.00011; TOPMed 0.00013.
gnomAD v4.1: 22 of 1,608,880 alleles (0.0014%); highest among the groups gnomAD compares: African/African-American, 0.028%; no homozygotes.

Submissions (2):

Ambry Genetics
Classification: Uncertain significance for Inborn genetic diseases. Last evaluated: 2025-03-03. Review status: criteria provided, single submitter. Criteria: Ambry Variant Classification Scheme 2023. Collection method: clinical testing. Allele origin: germline.

Labcorp Genetics (formerly Invitae), Labcorp
Classification: Uncertain significance. Last evaluated: 2023-11-19. Review status: criteria provided, single submitter. Criteria: Invitae Variant Classification Sherloc (09022015). Collection method: clinical testing. Allele origin: germline.
Comment: This sequence change replaces glutamic acid, which is acidic and polar, with lysine, which is basic and polar, at codon 190 of the MYO18B protein (p.Glu190Lys). This variant is present in population databases (rs757746935, gnomAD 0.03%). This variant has not been reported in the literature in individuals affected with MYO18B-related conditions. ClinVar contains an entry for this variant (Variation ID: 1351946). Algorithms developed to predict the effect of missense changes on protein structure and function output the following: SIFT: "Not Available"; PolyPhen-2: "Benign"; Align-GVGD: "Not Available". The lysine amino acid residue is found in multiple mammalian species, which suggests that this missense change does not adversely affect protein function. In summary, the available evidence is currently insufficient to determine the role of this variant in disease. Therefore, it has been classified as a Variant of Uncertain Significance.

NM_032608.7(MYO18B):c.568G>A (p.Glu190Lys)

Gene: MYO18B (myosin XVIIIB; plus strand). Cytogenetic location: 22q12.1.
Variant type: single nucleotide variant.
Coding change: c.568G>A on transcript NM_032608.7 (MANE Select); coding-DNA position 568, G replaced by A.
Protein change: p.Glu190Lys; replaces glutamic acid 190 with lysine.
Molecular consequence: missense variant.
Genome position (GRCh38, 1-based): chr22:25,768,484, G>A. VCF-style: chr22-25768484-G-A. GRCh37 (hg19) VCF-style: chr22-26164451-G-A.
Other names: c.568G>A, p.Glu190Lys (NM_001318245.2); c.568G>A (NM_032608.5); short protein forms E190K.
Identifiers: ClinVar variation 1351946 (VCV001351946.7), dbSNP rs757746935, ClinGen allele CA10159642.
Genomic context (GRCh38, chr22:25,768,484, plus strand): 5'-ACTCATCCCCATGACGCCCCCCCTTGCAAGACCTCTCCCCCCGCCACAGATACTGGAAAG[G>A]AAAAGAAAGGGGAGACCTCTAGGACTCCTTGTGGCTCCCAGGCCAGCACCGAGATCTTGG-3'
Protein context (NP_115997.5, residues 180-200): TSPPATDTGK[Glu190Lys]KKGETSRTPC